The following is an entry in ClinVar:

NM_000179.3(MSH6):c.263G>C (p.Cys88Ser)

Gene: MSH6 (mutS homolog 6; plus strand). Cytogenetic location: 2p16.3.
Variant type: single nucleotide variant.
Coding change: c.263G>C on transcript NM_000179.3 (MANE Select); coding-DNA position 263, G replaced by C.
Protein change: p.Cys88Ser; replaces cysteine 88 with serine.
Molecular consequence: missense variant. On other transcripts: 5 prime UTR variant (2), intron variant (1).
Genome position (GRCh38, 1-based): chr2:47,790,929, G>C. VCF-style: chr2-47790929-G-C. GRCh37 (hg19) VCF-style: chr2-48018068-G-C.
Other names: c.-474G>C (NM_001281493.2, NM_001406811.1, NM_001406823.1 and 1 more transcripts); c.-640G>C (NM_001281494.2); c.359G>C, p.Cys120Ser (NM_001406795.1, NM_001406802.1); c.263G>C, p.Cys88Ser (NM_001406796.1, NM_001406798.1, NM_001406800.1 and 6 more transcripts); c.-35G>C (NM_001406797.1, NM_001406801.1, NM_001406805.1 and 10 more transcripts); c.185G>C, p.Cys62Ser (NM_001406804.1); c.-666G>C (NM_001406807.1); c.-321G>C (NM_001406812.1); and 3 more; short protein forms C62S, C88S, C120S, C32S.
Identifiers: ClinVar variation 1931227 (VCV001931227.5), dbSNP rs1060502911, ClinGen allele CA346736439.

ClinVar aggregate classification (germline): Uncertain significance. Review status: criteria provided, multiple submitters, no conflicts (2 of 4 stars). 2 submissions from 2 submitters: Uncertain significance (2). Last evaluated 2025-09-10.

Conditions:
Hereditary cancer-predisposing syndrome. Also called: Neoplastic Syndromes, Hereditary; Hereditary Cancer Syndrome; Tumor predisposition; Hereditary neoplastic syndrome. Identifiers: Orphanet 140162, MedGen C0027672, MeSH D009386, MONDO:0015356.
Hereditary nonpolyposis colorectal neoplasms. Identifiers: MedGen C0009405, MeSH D003123.

Submissions (2):

Color Diagnostics, LLC DBA Color Health
Classification: Uncertain significance for Hereditary cancer-predisposing syndrome. Last evaluated: 2025-09-10. Review status: criteria provided, single submitter. Criteria: ACMG Guidelines, 2015. Collection method: clinical testing. Allele origin: germline.
Comment: This missense variant replaces cysteine with serine at codon 88 of the MSH6 protein. Computational prediction suggests that this variant may not impact protein structure and function. To our knowledge, functional studies have not been reported for this variant. This variant has not been reported in individuals affected with MSH6-related disorders in the literature. This variant has not been identified in the general population by the Genome Aggregation Database (gnomAD). The available evidence is insufficient to determine the role of this variant in disease conclusively. Therefore, this variant is classified as a Variant of Uncertain Significance.

Labcorp Genetics (formerly Invitae), Labcorp
Classification: Uncertain significance for Hereditary nonpolyposis colorectal neoplasms. Last evaluated: 2022-05-26. Review status: criteria provided, single submitter. Criteria: Invitae Variant Classification Sherloc (09022015). Collection method: clinical testing. Allele origin: germline.
Comment: In summary, the available evidence is currently insufficient to determine the role of this variant in disease. Therefore, it has been classified as a Variant of Uncertain Significance. Algorithms developed to predict the effect of missense changes on protein structure and function (SIFT, PolyPhen-2, Align-GVGD) all suggest that this variant is likely to be tolerated. This variant has not been reported in the literature in individuals affected with MSH6-related conditions. This variant is not present in population databases (gnomAD no frequency). This sequence change replaces cysteine, which is neutral and slightly polar, with serine, which is neutral and polar, at codon 88 of the MSH6 protein (p.Cys88Ser).